The following is an entry in ClinVar:

NM_181486.4(TBX5):c.987A>G (p.Glu329=)

Gene: TBX5 (T-box transcription factor 5; minus strand). Cytogenetic location: 12q24.21.
Variant type: single nucleotide variant.
Coding change: c.987A>G on transcript NM_181486.4 (MANE Select); coding-DNA position 987, A replaced by G.
Protein change: p.Glu329=; no amino-acid change (glutamic acid 329 retained).
Molecular consequence: synonymous variant.
Genome position (GRCh38, 1-based): chr12:114,356,102, T>C on the plus strand (A>G on the coding strand, the complement: TBX5 is on the minus strand). VCF-style: chr12-114356102-T-C. GRCh37 (hg19) VCF-style: chr12-114793907-T-C.
Other names: c.987A>G, p.Glu329= (NM_000192.3); c.837A>G, p.Glu279= (NM_080717.4).
Identifiers: ClinVar variation 4823083 (VCV004823083.4).
Genomic context (GRCh38, chr12:114,356,102, plus strand): 5'-TTCACTGGGTGATGTCTCCATGTAGGGCTTCTTATAGGGATGGTCTGTGGTGGAACATTC[T>C]TCCTCTGTGAAGACAGGAGAGACAGCAGTGAGGCCAGGAGCAGGCACCAGGCAGCTAAAA-3'
Protein context (NP_852259.1, residues 319-339): QIYHCTKRKE[Glu329=]ECSTTDHPYK

ClinVar aggregate classification (germline): Likely benign (1 of 4 stars; one submission).

Submission:

CeGaT Center for Human Genetics Tuebingen
Classification: Likely benign. Last evaluated: 2026-01-01. Review status: criteria provided, single submitter. Criteria: CeGaT Center For Human Genetics Tuebingen Variant Classification Criteria Version 2. Collection method: clinical testing. Allele origin: germline. Affected: yes. Observed: 1 variant allele.
Comment: TBX5: PM2:Supporting, BP4, BP7